The following is an entry in ClinVar:

ClinVar aggregate classification (germline): Uncertain significance. Review status: criteria provided, multiple submitters, no conflicts (2 of 4 stars). 3 submissions from 3 submitters: Uncertain significance (3). Last evaluated 2025-02-22.

Conditions:
Hereditary cancer-predisposing syndrome. Also called: Neoplastic Syndromes, Hereditary; Tumor predisposition; Hereditary Cancer Syndrome; Hereditary neoplastic syndrome. Identifiers: Orphanet 140162, MedGen C0027672, MeSH D009386, MONDO:0015356.
Retinoblastoma (RB1). Also called: RETINOBLASTOMA, SOMATIC. Identifiers: Orphanet 790, MedGen C0035335, MeSH D012175, MONDO:0008380, OMIM 180200, HP:0009919. Disease mechanism: loss of function. Inheritance: Both sporadic and heritable forms are tested..

Allele frequency attached by ClinVar (database versions not stated): gnomAD exomes 0.00001.
gnomAD v4.1: 12 of 1,612,536 alleles (0.00074%); highest among the groups gnomAD compares: Non-Finnish European, 0.001%; no homozygotes.

Submissions (3):

Ambry Genetics
Classification: Uncertain significance for Hereditary cancer-predisposing syndrome. Last evaluated: 2025-02-22. Review status: criteria provided, single submitter. Criteria: Ambry Variant Classification Scheme 2023. Collection method: clinical testing. Allele origin: germline.
Comment: The p.T601I variant (also known as c.1802C>T), located in coding exon 18 of the RB1 gene, results from a C to T substitution at nucleotide position 1802. The threonine at codon 601 is replaced by isoleucine, an amino acid with similar properties. This amino acid position is conserved. In addition, this alteration is predicted to be deleterious by in silico analysis. Since supporting evidence is limited at this time, the clinical significance of this alteration remains unclear.

All of Us Research Program, National Institutes of Health
Classification: Uncertain significance for Retinoblastoma. Last evaluated: 2024-07-29. Review status: criteria provided, single submitter. Criteria: ACMG Guidelines, 2015. Collection method: clinical testing. Allele origin: germline. Inheritance: Autosomal dominant inheritance. Observed: 1 variant allele, 1 heterozygote.
Comment: This missense variant replaces threonine with isoleucine at codon 601 of the RB1 protein. Computational prediction suggests that this variant may have deleterious impact on protein structure and function (internally defined REVEL score threshold >= 0.7, PMID: 27666373). To our knowledge, functional studies have not been reported for this variant. This variant has not been reported in individuals affected with RB1-related disorders in the literature. This variant has not been identified in the general population by the Genome Aggregation Database (gnomAD). The available evidence is insufficient to determine the role of this variant in disease conclusively. Therefore, this variant is classified as a Variant of Uncertain Significance.

This study involves interpretation of variants in research participants for the purpose of population health screening. Participant phenotype was not available at the time of variant classification. Additional details can be found in publication PMID: 35346344, PMCID: PMC8962531

Labcorp Genetics (formerly Invitae), Labcorp
Classification: Uncertain significance for Retinoblastoma. Last evaluated: 2024-01-02. Review status: criteria provided, single submitter. Criteria: Invitae Variant Classification Sherloc (09022015). Collection method: clinical testing. Allele origin: germline.
Comment: This sequence change replaces threonine, which is neutral and polar, with isoleucine, which is neutral and non-polar, at codon 601 of the RB1 protein (p.Thr601Ile). This variant is not present in population databases (gnomAD no frequency). This variant has not been reported in the literature in individuals affected with RB1-related conditions. ClinVar contains an entry for this variant (Variation ID: 1780425). Advanced modeling of protein sequence and biophysical properties (such as structural, functional, and spatial information, amino acid conservation, physicochemical variation, residue mobility, and thermodynamic stability) performed at Invitae indicates that this missense variant is expected to disrupt RB1 protein function with a positive predictive value of 80%. In summary, the available evidence is currently insufficient to determine the role of this variant in disease. Therefore, it has been classified as a Variant of Uncertain Significance.

NM_000321.3(RB1):c.1802C>T (p.Thr601Ile)

Gene: RB1 (RB transcriptional corepressor 1; plus strand). Cytogenetic location: 13q14.2.
Variant type: single nucleotide variant.
Coding change: c.1802C>T on transcript NM_000321.3 (MANE Select); coding-DNA position 1802, C replaced by T.
Protein change: p.Thr601Ile; replaces threonine 601 with isoleucine.
Molecular consequence: missense variant.
Genome position (GRCh38, 1-based): chr13:48,453,099, C>T. VCF-style: chr13-48453099-C-T. GRCh37 (hg19) VCF-style: chr13-49027235-C-T.
Other names: c.1802C>T, p.Thr601Ile (NM_001407165.1); short protein forms T601I.
Identifiers: ClinVar variation 1780425 (VCV001780425.9), dbSNP rs910909092, ClinGen allele CA388165648.